The following is an entry in ClinVar:

NM_181458.4(PAX3):c.1113_1115dup (p.Pro373_Ser374insPro)

Genes: PAX3 (paired box 3; minus strand), LOC126806529 (CDK7 strongly-dependent group 2 enhancer GRCh37_chr2:223084735-223085934; plus strand). Cytogenetic location: 2q36.1.
Variant type: Duplication.
Coding change: c.1113_1115dup on transcript NM_181458.4 (MANE Select); coding-DNA positions 1113 to 1115, 3 bases duplicated (GCC; older notation c.1113_1115dupGCC).
Protein change: p.Pro373_Ser374insPro.
Molecular consequence: inframe insertion.
Genome position (GRCh38, 1-based): chr2:222,220,198-222,220,200, GGC duplicated on the plus strand (GCC on the coding strand, the reverse complement: PAX3 is on the minus strand). VCF-style (leftmost placement, unchanged base first): chr2-222220197-A-AGGC. GRCh37 (hg19) VCF-style: chr2-223084916-A-AGGC.
Other names: c.1110_1112dup, p.Pro372_Ser373insPro (NM_001127366.3); c.1113_1115dup, p.Pro373_Ser374insPro (NM_181457.4, NM_181459.4, NM_181460.4 and 1 more transcripts).
Identifiers: ClinVar variation 2866409 (VCV002866409.3), dbSNP rs2469248527, ClinGen allele CA2739278547.

ClinVar aggregate classification (germline): Uncertain significance (1 of 4 stars; one submission).

Submission:

Labcorp Genetics (formerly Invitae), Labcorp
Classification: Uncertain significance. Last evaluated: 2023-05-20. Review status: criteria provided, single submitter. Criteria: Invitae Variant Classification Sherloc (09022015). Collection method: clinical testing. Allele origin: germline.
Comment: This variant, c.1113_1115dup, results in the insertion of 1 amino acid(s) of the PAX3 protein (p.Pro373dup), but otherwise preserves the integrity of the reading frame. This variant is not present in population databases (gnomAD no frequency). In summary, the available evidence is currently insufficient to determine the role of this variant in disease. Therefore, it has been classified as a Variant of Uncertain Significance. This variant has not been reported in the literature in individuals affected with PAX3-related conditions.